The following is an entry in ClinVar:

ClinVar aggregate classification (germline): Likely pathogenic. Review status: criteria provided, multiple submitters, no conflicts (2 of 4 stars). 2 submissions from 2 submitters: Likely pathogenic (2). Last evaluated 2025-03-11.

Conditions:
Cardiovascular phenotype. Identifiers: MedGen CN230736.
Dilated cardiomyopathy 1G (CMD1G). Identifiers: Orphanet 154, MedGen C1858763, MONDO:0011400, OMIM 604145.
Autosomal recessive limb-girdle muscular dystrophy type 2J (LGMDR10). Also called: Limb-girdle muscular dystrophy, type 2J; MUSCULAR DYSTROPHY, LIMB-GIRDLE, AUTOSOMAL RECESSIVE 10. Identifiers: Orphanet 140922, MedGen C1837342, MONDO:0012127, OMIM 608807.

Submissions (2):

Labcorp Genetics (formerly Invitae), Labcorp
Classification: Likely pathogenic for Dilated cardiomyopathy 1G; Autosomal recessive limb-girdle muscular dystrophy type 2J. Last evaluated: 2025-03-11. Review status: criteria provided, single submitter. Criteria: Invitae Variant Classification Sherloc (09022015). Collection method: clinical testing. Allele origin: germline.
Comment: This sequence change creates a premature translational stop signal (p.Gly29364Alafs*36) in the TTN gene. While this is not anticipated to result in nonsense mediated decay, it is expected to create a truncated TTN protein. This variant is not present in population databases (gnomAD no frequency). This variant has not been reported in the literature in individuals affected with TTN-related conditions. ClinVar contains an entry for this variant (Variation ID: 1066752). This variant is located in the A band of TTN (PMID: 25589632). Truncating variants in this region are significantly overrepresented in patients affected with dilated cardiomyopathy (PMID: 25589632). Truncating variants in this region have also been reported in individuals affected with autosomal recessive centronuclear myopathy (PMID: 23975875). In summary, the currently available evidence indicates that the variant is pathogenic, but additional data are needed to prove that conclusively. Therefore, this variant has been classified as Likely Pathogenic.

Ambry Genetics
Classification: Likely pathogenic for Cardiovascular phenotype. Last evaluated: 2023-07-18. Review status: criteria provided, single submitter. Criteria: Ambry Variant Classification Scheme 2023. Collection method: clinical testing. Allele origin: germline.
Comment: The c.60896_60899delGTAG variant, located in coding exon 157 of the TTN gene, results from a deletion of 4 nucleotides at nucleotide positions 60896 to 60899, causing a translational frameshift with a predicted alternate stop codon (p.G20299Afs*36). This exon is located in the A-band region of the N2-B isoform of the titin protein and is constitutively expressed in TTN transcripts (percent spliced in or PSI 100%). This variant is considered to be rare based on population cohorts in the Genome Aggregation Database (gnomAD). This alteration is expected to result in loss of function by premature protein truncation or nonsense-mediated mRNA decay. While truncating variants in TTN are present in 1-3% of the general population, truncating variants in the A-band are the most common cause of dilated cardiomyopathy (DCM) (Herman DS et al. N. Engl. J. Med., 2012 Feb;366:619-28; Roberts AM et al. Sci Transl Med, 2015 Jan;7:270ra6). TTN truncating variants encoded in constitutive exons (PSI >90%) have been found to be significantly associated with DCM regardless of their position in titin (Schafer S et al. Nat. Genet., 2017 01;49:46-53). Based on the majority of available evidence to date, this variant is likely to be pathogenic.

Literature cited by the submitters: PubMed 25589632 (cited by Labcorp Genetics (formerly Invitae), Labcorp); PubMed 23975875 (cited by Labcorp Genetics (formerly Invitae), Labcorp); PubMed 33432171 (cited by Ambry Genetics).

NM_001267550.2(TTN):c.88091_88094del (p.Gly29364fs)

Genes: TTN (titin; minus strand), TTN-AS1 (TTN antisense RNA 1; plus strand). Cytogenetic location: 2q31.2.
Variant type: Deletion.
Coding change: c.88091_88094del on transcript NM_001267550.2 (MANE Select); coding-DNA positions 88091 to 88094, 4 bases deleted (GTAG; older notation c.88091_88094delGTAG).
Protein change: p.Gly29364fs; shifts the reading frame from glycine 29364.
Molecular consequence: frameshift variant.
Genome position (GRCh38, 1-based): chr2:178,557,060-178,557,063, CTAC deleted on the plus strand (GTAG on the coding strand, the reverse complement: TTN is on the minus strand); deleting any 4 consecutive bases within chr2:178,557,060-178,557,065 gives the same sequence; the c. name uses the placement nearest the transcript's 3' end. VCF-style (leftmost placement, unchanged base first): chr2-178557059-GCTAC-G. GRCh37 (hg19) VCF-style: chr2-179421786-GCTAC-G.
Other names: c.60896_60899delGTAG (NM_003319.4); c.83168_83171del, p.Gly27723fs (NM_001256850.1); c.60896_60899del, p.Gly20299fs (NM_003319.4); c.80387_80390del, p.Gly26796fs (NM_133378.4); c.61271_61274del, p.Gly20424fs (NM_133432.3); c.61472_61475del, p.Gly20491fs (NM_133437.4); short protein forms G20299fs, G20424fs, G20491fs, G26796fs, G27723fs, G29364fs.
Identifiers: ClinVar variation 1066752 (VCV001066752.13), dbSNP rs2154155280, ClinGen allele CA2499215323.